The following is an entry in ClinVar:

NM_001099293.3(KIF4B):c.3357T>C (p.Cys1119=)

Gene: KIF4B (kinesin family member 4B; plus strand). Cytogenetic location: 5q33.2.
Variant type: single nucleotide variant.
Coding change: c.3357T>C on transcript NM_001099293.3 (MANE Select); coding-DNA position 3357, T replaced by C.
Protein change: p.Cys1119=; no amino-acid change (cysteine 1119 retained).
Molecular consequence: synonymous variant.
Genome position (GRCh38, 1-based): chr5:155,017,216, T>C. VCF-style: chr5-155017216-T-C. GRCh37 (hg19) VCF-style: chr5-154396776-T-C.
Identifiers: ClinVar variation 3049472 (VCV003049472.2), dbSNP rs751285977, ClinGen allele CA3530343.

ClinVar aggregate classification (germline): Likely benign (0 of 4 stars; one submission).

Conditions:
KIF4B-related disorder. Also called: KIF4B-related condition.

Allele frequency attached by ClinVar (database versions not stated): gnomAD exomes below 0.00001; ExAC 0.00001; TOPMed 0.00001.

Submission:

PreventionGenetics, part of Exact Sciences
Classification: Likely benign for KIF4B-related condition. Last evaluated: 2019-07-10. Review status: no assertion criteria provided. Collection method: clinical testing. Allele origin: germline.
Comment: This variant is classified as likely benign based on ACMG/AMP sequence variant interpretation guidelines (Richards et al. 2015 PMID: 25741868, with internal and published modifications).